The following is an entry in ClinVar:

ClinVar aggregate classification (germline): Pathogenic (1 of 4 stars; one submission).

Conditions:
Charcot-Marie-Tooth disease type 2. Also called: Charcot-Marie-Tooth type 2. Identifiers: Orphanet 64746, MedGen C0270914, MONDO:0018993.

Submission:

Labcorp Genetics (formerly Invitae), Labcorp
Classification: Pathogenic for Charcot-Marie-Tooth disease type 2. Last evaluated: 2024-06-10. Review status: criteria provided, single submitter. Criteria: Invitae Variant Classification Sherloc (09022015). Collection method: clinical testing. Allele origin: germline.
Comment: This sequence change results in a frameshift in the MFN2 gene (p.His750Profs*12). While this is not anticipated to result in nonsense mediated decay, it is expected to disrupt the last 8 amino acid(s) of the MFN2 protein and extend the protein by 3 additional amino acid residues. This variant is not present in population databases (gnomAD no frequency). This variant has not been reported in the literature in individuals affected with MFN2-related conditions. This variant disrupts a region of the MFN2 protein in which other variant(s) (p.Gln751*) have been determined to be pathogenic (PMID: 16714318). This suggests that this is a clinically significant region of the protein, and that variants that disrupt it are likely to be disease-causing. For these reasons, this variant has been classified as Pathogenic.

Literature cited by the submitters: PubMed 16714318.

NM_014874.4(MFN2):c.2249_2250del (p.His750fs)

Gene: MFN2 (mitofusin 2; plus strand). Cytogenetic location: 1p36.22.
Variant type: Microsatellite.
Coding change: c.2249_2250del on transcript NM_014874.4 (MANE Select); coding-DNA positions 2249 to 2250, 2 bases deleted (AC; older notation c.2249_2250delAC).
Protein change: p.His750fs; shifts the reading frame from histidine 750.
Molecular consequence: frameshift variant.
Genome position (GRCh38, 1-based): chr1:12,011,540-12,011,541, AC deleted; deleting any 2 consecutive bases within chr1:12,011,535-12,011,541 gives the same sequence; the c. name uses the placement nearest the transcript's 3' end. VCF-style (leftmost placement, unchanged base first): chr1-12011534-TCA-T. GRCh37 (hg19) VCF-style: chr1-12071591-TCA-T.
Other names: c.2249_2250del, p.His750fs (NM_001127660.2); short protein forms H750fs.
Identifiers: ClinVar variation 2114482 (VCV002114482.4), dbSNP rs2523134899, ClinGen allele CA2580611413.